The following is an entry in ClinVar:

NM_001161403.3(LIMS2):c.371G>A (p.Arg124Gln)

Gene: LIMS2 (LIM zinc finger domain containing 2; minus strand). Cytogenetic location: 2q14.3.
Variant type: single nucleotide variant.
Coding change: c.371G>A on transcript NM_001161403.3 (MANE Select); coding-DNA position 371, G replaced by A.
Protein change: p.Arg124Gln; replaces arginine 124 with glutamine.
Molecular consequence: missense variant. On other transcripts: 5 prime UTR variant (1).
Genome position (GRCh38, 1-based): chr2:127,643,061, C>T on the plus strand (G>A on the coding strand, the complement: LIMS2 is on the minus strand). VCF-style: chr2-127643061-C-T. GRCh37 (hg19) VCF-style: chr2-128400636-C-T.
Other names: c.437G>A, p.Arg146Gln (NM_001136037.4); c.356G>A, p.Arg119Gln (NM_001161404.2); c.-86G>A (NM_001256542.2); c.443G>A, p.Arg148Gln (NM_017980.5); c.443G>A (NM_017980.4); short protein forms R148Q, R119Q, R124Q, R146Q.
Identifiers: ClinVar variation 951039 (VCV000951039.6), dbSNP rs767752155, ClinGen allele CA1863069.

ClinVar aggregate classification (germline): Uncertain significance. Review status: criteria provided, multiple submitters, no conflicts (2 of 4 stars). 2 submissions from 2 submitters: Uncertain significance (2). Last evaluated 2025-06-03.

Conditions:
Autosomal recessive limb-girdle muscular dystrophy type 2W (MDRCMTT). Also called: Muscular dystrophy, limb-girdle, type 2W; Muscular dystrophy, autosomal recessive, with cardiomyopathy and triangular tongue. Identifiers: MedGen C4225192, MONDO:0014788, OMIM 616827.

Allele frequency attached by ClinVar (database versions not stated): gnomAD 0.00002; gnomAD exomes 0.00002; TOPMed 0.00002; ExAC 0.00003.
gnomAD v4.1: 21 of 1,580,420 alleles (0.0013%); highest among the groups gnomAD compares: East Asian, 0.012%; no homozygotes.

Submissions (2):

Labcorp Genetics (formerly Invitae), Labcorp
Classification: Uncertain significance for Autosomal recessive limb-girdle muscular dystrophy type 2W. Last evaluated: 2025-06-03. Review status: criteria provided, single submitter. Criteria: Invitae Variant Classification Sherloc (09022015). Collection method: clinical testing. Allele origin: germline.
Comment: This sequence change replaces arginine, which is basic and polar, with glutamine, which is neutral and polar, at codon 146 of the LIMS2 protein (p.Arg146Gln). The frequency data for this variant in the population databases is considered unreliable, as metrics indicate poor data quality at this position in the gnomAD database. This variant has not been reported in the literature in individuals affected with LIMS2-related conditions. ClinVar contains an entry for this variant (Variation ID: 951039). Invitae Evidence Modeling of protein sequence and biophysical properties (such as structural, functional, and spatial information, amino acid conservation, physicochemical variation, residue mobility, and thermodynamic stability) indicates that this missense variant is not expected to disrupt LIMS2 protein function with a negative predictive value of 80%. In summary, the available evidence is currently insufficient to determine the role of this variant in disease. Therefore, it has been classified as a Variant of Uncertain Significance.

Ambry Genetics
Classification: Uncertain significance. Last evaluated: 2023-02-27. Review status: criteria provided, single submitter. Criteria: Ambry Variant Classification Scheme 2023. Collection method: clinical testing. Allele origin: germline.